The following is an entry in ClinVar:

ClinVar aggregate classification (germline): Uncertain significance (1 of 4 stars; one submission).

Conditions:
Inborn genetic diseases. Identifiers: MedGen C0950123, MeSH D030342.

Allele frequency attached by ClinVar (database versions not stated): TOPMed below 0.00001.

Submission:

Ambry Genetics
Classification: Uncertain significance for Inborn genetic diseases. Last evaluated: 2021-07-16. Review status: criteria provided, single submitter. Criteria: Ambry Variant Classification Scheme 2023. Collection method: clinical testing. Allele origin: germline.
Comment: The p.S1052Y variant (also known as c.3155C>A), located in coding exon 24 of the LRRK2 gene, results from a C to A substitution at nucleotide position 3155. The serine at codon 1052 is replaced by tyrosine, an amino acid with dissimilar properties. This amino acid position is conserved. In addition, this alteration is predicted to be tolerated by in silico analysis. Since supporting evidence is limited at this time, the clinical significance of this alteration remains unclear.

NM_198578.4(LRRK2):c.3155C>A (p.Ser1052Tyr)

Gene: LRRK2 (leucine rich repeat kinase 2; plus strand). Cytogenetic location: 12q12.
Variant type: single nucleotide variant.
Coding change: c.3155C>A on transcript NM_198578.4 (MANE Select); coding-DNA position 3155, C replaced by A.
Protein change: p.Ser1052Tyr; replaces serine 1052 with tyrosine.
Molecular consequence: missense variant.
Genome position (GRCh38, 1-based): chr12:40,298,301, C>A. VCF-style: chr12-40298301-C-A. GRCh37 (hg19) VCF-style: chr12-40692103-C-A.
Other names: short protein forms S1052Y.
Identifiers: ClinVar variation 1728230 (VCV001728230.2), dbSNP rs1944460336, ClinGen allele CA384414263.
Genomic context (GRCh38, chr12:40,298,301, plus strand): 5'-AGACTCTGAAGAGTTTGACACATTTGGACTTGCACAGTAATAAATTTACATCATTTCCTT[C>A]TTATTTGTTGAAAATGAGTTGTATTGCTAATCTTGATGTCTCTCGAAATGACATTGGACC-3'
Protein context (NP_940980.4, residues 1042-1062): LHSNKFTSFP[Ser1052Tyr]YLLKMSCIAN